The following is an entry in ClinVar:

NM_000428.3(LTBP2):c.431G>T (p.Arg144Leu)

Gene: LTBP2 (latent transforming growth factor beta binding protein 2; minus strand). Cytogenetic location: 14q24.3.
Variant type: single nucleotide variant.
Coding change: c.431G>T on transcript NM_000428.3 (MANE Select); coding-DNA position 431, G replaced by T.
Protein change: p.Arg144Leu; replaces arginine 144 with leucine.
Molecular consequence: missense variant.
Genome position (GRCh38, 1-based): chr14:74,611,514, C>A on the plus strand (G>T on the coding strand, the complement: LTBP2 is on the minus strand). VCF-style: chr14-74611514-C-A. GRCh37 (hg19) VCF-style: chr14-75078217-C-A.
Other names: c.431G>T (NM_000428.2); short protein forms R144L.
Identifiers: ClinVar variation 1405747 (VCV001405747.5), dbSNP rs200624982, ClinGen allele CA7270204.
Genomic context (GRCh38, chr14:74,611,514, plus strand): 5'-GTGAGCCGCCCTCGCGGCGGGGTTGGGGGCGCAGCCCCAGACCGCTGTGGGGTCCCCAGG[C>A]GTGGGAGAGCCGGCGCGGCCCGGGTCCGGGGTGCTGGTTGCTGCTGGCCCAGGGGAGTGC-3'
Protein context (NP_000419.1, residues 134-154): PRTRAAPALP[Arg144Leu]LGTPQRSGAA

ClinVar aggregate classification (germline): Uncertain significance. Review status: criteria provided, multiple submitters, no conflicts (2 of 4 stars). 2 submissions from 2 submitters: Uncertain significance (2). Last evaluated 2026-01-17.

Conditions:
Inborn genetic diseases. Identifiers: MedGen C0950123, MeSH D030342.

Allele frequency attached by ClinVar (database versions not stated): gnomAD exomes 0.00006 and 0.00010; gnomAD 0.00007 and 0.00008; ExAC 0.00008; TOPMed 0.00008.
gnomAD v4.1: 106 of 1,535,462 alleles (0.0069%); highest among the groups gnomAD compares: Middle Eastern, 0.13%; 2 homozygotes.

Submissions (2):

Labcorp Genetics (formerly Invitae), Labcorp
Classification: Uncertain significance. Last evaluated: 2026-01-17. Review status: criteria provided, single submitter. Criteria: Invitae Variant Classification Sherloc (09022015). Collection method: clinical testing. Allele origin: germline.
Comment: This sequence change replaces arginine, which is basic and polar, with leucine, which is neutral and non-polar, at codon 144 of the LTBP2 protein (p.Arg144Leu). This variant is present in population databases (rs200624982, gnomAD 0.02%). This variant has not been reported in the literature in individuals affected with LTBP2-related conditions. ClinVar contains an entry for this variant (Variation ID: 1405747). An algorithm developed to predict the effect of missense changes on protein structure and function (PolyPhen-2) suggests that this variant is likely to be tolerated. In summary, the available evidence is currently insufficient to determine the role of this variant in disease. Therefore, it has been classified as a Variant of Uncertain Significance.

Ambry Genetics
Classification: Uncertain significance for Inborn genetic diseases. Last evaluated: 2025-02-07. Review status: criteria provided, single submitter. Criteria: Ambry Variant Classification Scheme 2023. Collection method: clinical testing. Allele origin: germline.